The following is an entry in ClinVar:

ClinVar aggregate classification (germline): Uncertain significance. Review status: criteria provided, multiple submitters, no conflicts (2 of 4 stars). 2 submissions from 2 submitters: Uncertain significance (2). Last evaluated 2025-04-11.

Conditions:
Pheochromocytoma. Also called: MAX-Related Hereditary Paraganglioma-Pheochromocytoma Syndrome. Identifiers: Orphanet 29072, MedGen C0031511, MONDO:0008233, OMIM 171300, HP:0002666.
Pheochromocytoma/paraganglioma syndrome 4. Also called: PARAGANGLIOMA, FAMILIAL MALIGNANT; PARAGANGLIOMAS, HEREDITARY EXTRAADRENAL; PHEOCHROMOCYTOMA, FAMILIAL EXTRAADRENAL; SDHB-Related Hereditary Paraganglioma-Pheochromocytoma Syndrome (Paragangliomas 4); CAROTID BODY TUMORS AND MULTIPLE EXTRAADRENAL PHEOCHROMOCYTOMAS; SDHB-Related Hereditary Paraganglioma-Pheochromocytoma Syndrome. Identifiers: Orphanet 29072, MedGen C1861848, MONDO:0007273, OMIM 115310.
Gastrointestinal stromal tumor. Also called: Gastrointestinal stromal tumor, somatic; Gastrointestinal stroma tumor. Identifiers: Orphanet 44890, MedGen C0238198, MeSH D046152, MONDO:0011719, OMIM 606764, HP:0100723.
Hereditary cancer-predisposing syndrome. Also called: Hereditary Cancer Syndrome; Tumor predisposition; Neoplastic Syndromes, Hereditary; Hereditary neoplastic syndrome. Identifiers: Orphanet 140162, MedGen C0027672, MeSH D009386, MONDO:0015356.

gnomAD v4.1: 1 of 1,614,100 alleles (0.000062%); highest among the groups gnomAD compares: African/African-American, 0.0013%; no homozygotes.

Submissions (2):

Labcorp Genetics (formerly Invitae), Labcorp
Classification: Uncertain significance for Gastrointestinal stromal tumor; Pheochromocytoma/paraganglioma syndrome 4; Pheochromocytoma. Last evaluated: 2025-04-11. Review status: criteria provided, single submitter. Criteria: Invitae Variant Classification Sherloc (09022015). Collection method: clinical testing. Allele origin: germline.
Comment: This sequence change replaces serine, which is neutral and polar, with tyrosine, which is neutral and polar, at codon 239 of the SDHB protein (p.Ser239Tyr). This variant is not present in population databases (gnomAD no frequency). This variant has not been reported in the literature in individuals affected with SDHB-related conditions. ClinVar contains an entry for this variant (Variation ID: 577973). Invitae Evidence Modeling of protein sequence and biophysical properties (such as structural, functional, and spatial information, amino acid conservation, physicochemical variation, residue mobility, and thermodynamic stability) indicates that this missense variant is expected to disrupt SDHB protein function with a positive predictive value of 80%. In summary, the available evidence is currently insufficient to determine the role of this variant in disease. Therefore, it has been classified as a Variant of Uncertain Significance.

Ambry Genetics
Classification: Uncertain significance for Hereditary cancer-predisposing syndrome. Last evaluated: 2023-12-27. Review status: criteria provided, single submitter. Criteria: Ambry Variant Classification Scheme 2023. Collection method: clinical testing. Allele origin: germline.
Comment: The p.S239Y variant (also known as c.716C>A), located in coding exon 7 of the SDHB gene, results from a C to A substitution at nucleotide position 716. The serine at codon 239 is replaced by tyrosine, an amino acid with dissimilar properties. This amino acid position is highly conserved in available vertebrate species. In addition, this alteration is predicted to be deleterious by in silico analysis. Since supporting evidence is limited at this time, the clinical significance of this alteration remains unclear.

NM_003000.3(SDHB):c.716C>A (p.Ser239Tyr)

Gene: SDHB (succinate dehydrogenase complex iron sulfur subunit B; minus strand). Cytogenetic location: 1p36.13.
Variant type: single nucleotide variant.
Coding change: c.716C>A on transcript NM_003000.3 (MANE Select); coding-DNA position 716, C replaced by A.
Protein change: p.Ser239Tyr; replaces serine 239 with tyrosine.
Molecular consequence: missense variant.
Genome position (GRCh38, 1-based): chr1:17,022,657, G>T on the plus strand (C>A on the coding strand, the complement: SDHB is on the minus strand). VCF-style: chr1-17022657-G-T. GRCh37 (hg19) VCF-style: chr1-17349152-G-T.
Other names: short protein forms S239Y.
Identifiers: ClinVar variation 577973 (VCV000577973.7), dbSNP rs201098090, ClinGen allele CA338270242.